The following is an entry in ClinVar:

ClinVar aggregate classification (germline): Uncertain significance. Review status: criteria provided, multiple submitters, no conflicts (2 of 4 stars). 3 submissions from 3 submitters: Uncertain significance (3). Last evaluated 2024-11-14.

Conditions:
Congenital dyserythropoietic anemia, type I. Also called: Dyserythropoietic anemia, congenital type 1. Identifiers: Orphanet 98869, MedGen C0271933, MONDO:0020337. Disease mechanism: loss of function.
Anemia, congenital dyserythropoietic, type 1a (CDAN1A). Also called: CDAN1-Related Congenital Dyserythropoietic Anemia; DYSERYTHROPOIETIC ANEMIA, CONGENITAL, TYPE Ia. Identifiers: MedGen C5574667, MONDO:0009135, OMIM 224120.

Allele frequency attached by ClinVar (database versions not stated): ExAC 0.00005; gnomAD exomes 0.00007 and 0.00009; TOPMed 0.00008; gnomAD 0.00012 and 0.00013; ESP Exome Variant Server 0.00015.

Submissions (3):

Labcorp Genetics (formerly Invitae), Labcorp
Classification: Uncertain significance. Last evaluated: 2024-11-14. Review status: criteria provided, single submitter. Criteria: Invitae Variant Classification Sherloc (09022015). Collection method: clinical testing. Allele origin: germline.
Comment: This sequence change replaces proline, which is neutral and non-polar, with serine, which is neutral and polar, at codon 608 of the CDAN1 protein (p.Pro608Ser). This variant is present in population databases (rs146810840, gnomAD 0.06%). This variant has not been reported in the literature in individuals affected with CDAN1-related conditions. ClinVar contains an entry for this variant (Variation ID: 885242). An algorithm developed to predict the effect of missense changes on protein structure and function (PolyPhen-2) suggests that this variant is likely to be disruptive. In summary, the available evidence is currently insufficient to determine the role of this variant in disease. Therefore, it has been classified as a Variant of Uncertain Significance.

Revvity Omics, Revvity
Classification: Uncertain significance for Anemia, congenital dyserythropoietic, type 1a. Last evaluated: 2022-12-04. Review status: criteria provided, single submitter. Criteria: ACMG Guidelines, 2015. Collection method: clinical testing. Allele origin: germline.

Illumina Laboratory Services, Illumina
Classification: Uncertain significance for Anemia, congenital dyserythropoietic, type 1a. Last evaluated: 2018-01-13. Review status: criteria provided, single submitter. Criteria: ICSL Variant Classification Criteria 13 December 2019. Collection method: clinical testing. Allele origin: germline.

NM_138477.4(CDAN1):c.1822C>T (p.Pro608Ser)

Gene: CDAN1 (codanin 1; minus strand). Cytogenetic location: 15q15.2.
Variant type: single nucleotide variant.
Coding change: c.1822C>T on transcript NM_138477.4 (MANE Select); coding-DNA position 1822, C replaced by T.
Protein change: p.Pro608Ser; replaces proline 608 with serine.
Molecular consequence: missense variant.
Genome position (GRCh38, 1-based): chr15:42,731,249, G>A on the plus strand (C>T on the coding strand, the complement: CDAN1 is on the minus strand). VCF-style: chr15-42731249-G-A. GRCh37 (hg19) VCF-style: chr15-43023447-G-A.
Other names: short protein forms P608S.
Identifiers: ClinVar variation 885242 (VCV000885242.8), dbSNP rs146810840, ClinGen allele CA7515923.